The following is an entry in ClinVar:

ClinVar aggregate classification (germline): Uncertain significance. Review status: criteria provided, multiple submitters, no conflicts (2 of 4 stars). 2 submissions from 2 submitters: Uncertain significance (2). Last evaluated 2022-11-15.

Conditions:
Hereditary nonpolyposis colorectal neoplasms. Identifiers: MedGen C0009405, MeSH D003123.
Hereditary cancer-predisposing syndrome. Also called: Hereditary Cancer Syndrome; Hereditary neoplastic syndrome; Neoplastic Syndromes, Hereditary; Tumor predisposition. Identifiers: Orphanet 140162, MedGen C0027672, MeSH D009386, MONDO:0015356.

Allele frequency attached by ClinVar (database versions not stated): gnomAD exomes below 0.00001.
gnomAD v4.1: 1 of 1,614,218 alleles (0.000062%); highest among the groups gnomAD compares: African/African-American, 0.0013%; no homozygotes.

Submissions (2):

Labcorp Genetics (formerly Invitae), Labcorp
Classification: Uncertain significance for Hereditary nonpolyposis colorectal neoplasms. Last evaluated: 2022-11-15. Review status: criteria provided, single submitter. Criteria: Invitae Variant Classification Sherloc (09022015). Collection method: clinical testing. Allele origin: germline.
Comment: In summary, the available evidence is currently insufficient to determine the role of this variant in disease. Therefore, it has been classified as a Variant of Uncertain Significance. Advanced modeling of protein sequence and biophysical properties (such as structural, functional, and spatial information, amino acid conservation, physicochemical variation, residue mobility, and thermodynamic stability) performed at Invitae indicates that this missense variant is not expected to disrupt MSH6 protein function. This variant has not been reported in the literature in individuals affected with MSH6-related conditions. This variant is not present in population databases (gnomAD no frequency). This sequence change replaces serine, which is neutral and polar, with threonine, which is neutral and polar, at codon 331 of the MSH6 protein (p.Ser331Thr).

Ambry Genetics
Classification: Uncertain significance for Hereditary cancer-predisposing syndrome. Last evaluated: 2020-06-12. Review status: criteria provided, single submitter. Criteria: Ambry Variant Classification Scheme 2023. Collection method: clinical testing. Allele origin: germline.
Comment: The p.S331T variant (also known as c.991T>A), located in coding exon 4 of the MSH6 gene, results from a T to A substitution at nucleotide position 991. The serine at codon 331 is replaced by threonine, an amino acid with similar properties. This amino acid position is not well conserved in available vertebrate species. In addition, this alteration is predicted to be tolerated by in silico analysis. Since supporting evidence is limited at this time, the clinical significance of this alteration remains unclear.

NM_000179.3(MSH6):c.991T>A (p.Ser331Thr)

Gene: MSH6 (mutS homolog 6; plus strand). Cytogenetic location: 2p16.3.
Variant type: single nucleotide variant.
Coding change: c.991T>A on transcript NM_000179.3 (MANE Select); coding-DNA position 991, T replaced by A.
Protein change: p.Ser331Thr; replaces serine 331 with threonine.
Molecular consequence: missense variant.
Genome position (GRCh38, 1-based): chr2:47,798,974, T>A. VCF-style: chr2-47798974-T-A. GRCh37 (hg19) VCF-style: chr2-48026113-T-A.
Other names: c.1087T>A, p.Ser363Thr (NM_001406795.1, NM_001406802.1); c.991T>A, p.Ser331Thr (NM_001406796.1, NM_001406803.1, NM_001406798.1 and 4 more transcripts); c.694T>A, p.Ser232Thr (NM_001406797.1, NM_001406801.1, NM_001406805.1 and 10 more transcripts); c.466T>A, p.Ser156Thr (NM_001406799.1, NM_001406806.1, NM_001406807.1); c.601T>A, p.Ser201Thr (NM_001281492.2); c.85T>A, p.Ser29Thr (NM_001281493.2, NM_001281494.2, NM_001406811.1 and 6 more transcripts); c.913T>A, p.Ser305Thr (NM_001406804.1); c.997T>A, p.Ser333Thr (NM_001406813.1); and 1 more; short protein forms S305T, S156T, S275T, S331T, S232T, S29T, S333T, S363T.
Identifiers: ClinVar variation 1768617 (VCV001768617.7), dbSNP rs2104311830, ClinGen allele CA346741104.
Genomic context (GRCh38, chr2:47,798,974, plus strand): 5'-AAAAGGAAAAGCTCTAGGAAGGAAACGCCCTCAGCCACCAAACAAGCAACTAGCATTTCA[T>A]CAGAAACCAAGAATACTTTGAGAGCTTTCTCTGCCCCTCAAAATTCTGAATCCCAAGCCC-3'
Protein context (NP_000170.1, residues 321-341): SATKQATSIS[Ser331Thr]ETKNTLRAFS